The following is an entry in ClinVar:

ClinVar aggregate classification (germline): Likely pathogenic (1 of 4 stars; one submission).

Conditions:
Osteogenesis imperfecta type I (OI1). Also called: Lobstein disease; Classic Non-deforming Osteogenesis Imperfecta with Blue Sclerae; Osteogenesis imperfecta type 1; Lobstein's Disease; OI, TYPE I; OSTEOGENESIS IMPERFECTA TARDA. Identifiers: Orphanet 216796, Orphanet 666, MedGen C0023931, MONDO:0008146, OMIM 166200. Disease mechanism: loss of function.

Submission:

Kasturba Medical College, Manipal, Kasturba Medical College, Manipal, Manipal Academy of Higher Education, Manipal, India
Classification: Likely pathogenic for Osteogenesis imperfecta type I. Last evaluated: 2026-07-05. Review status: criteria provided, single submitter. Criteria: ACMG Guidelines, 2015. Collection method: research. Allele origin: unknown. Inheritance: Autosomal dominant inheritance. Affected: yes. Observed: 1 variant allele, 1 heterozygote.
Comment: This variant is absent in homozygous and/or heterozygous state in gnomAD (v4.1.0) and in our in-house database of 4189 exomes. This canonical splice-site variant is predicted to cause aberrant splicing which can either lead to nonsense mediated mRNA decay or formation of a truncated protein product.

NM_000088.4(COL1A1):c.1983+2del

Gene: COL1A1 (collagen type I alpha 1 chain; minus strand). Cytogenetic location: 17q21.33.
Variant type: Deletion.
Coding change: c.1983+2del on transcript NM_000088.4 (MANE Select); the canonical splice donor site of the intron after coding-DNA position 1983, one base deleted (T; older notation c.1983+2delT).
Molecular consequence: splice donor variant.
Genome position (GRCh38, 1-based): chr17:50,192,473, A deleted on the plus strand (T on the coding strand, the reverse complement: COL1A1 is on the minus strand). VCF-style (leftmost placement, unchanged base first): chr17-50192472-TA-T. GRCh37 (hg19) VCF-style: chr17-48269833-TA-T.
Identifiers: ClinVar variation 4857678 (VCV004857678.1).